The following is an entry in ClinVar:

NM_005560.6(LAMA5):c.9902C>T (p.Pro3301Leu)

Gene: LAMA5 (laminin subunit alpha 5; minus strand). Cytogenetic location: 20q13.33.
Variant type: single nucleotide variant.
Coding change: c.9902C>T on transcript NM_005560.6 (MANE Select); coding-DNA position 9902, C replaced by T.
Protein change: p.Pro3301Leu; replaces proline 3301 with leucine.
Molecular consequence: missense variant.
Genome position (GRCh38, 1-based): chr20:62,311,441, G>A on the plus strand (C>T on the coding strand, the complement: LAMA5 is on the minus strand). VCF-style: chr20-62311441-G-A. GRCh37 (hg19) VCF-style: chr20-60886497-G-A.
Other names: short protein forms P3301L.
Identifiers: ClinVar variation 2652474 (VCV002652474.24), dbSNP rs576584555, ClinGen allele CA9940011.

ClinVar aggregate classification (germline): Likely benign (1 of 4 stars; one submission).

Allele frequency attached by ClinVar (database versions not stated): ExAC 0.00006; TOPMed 0.00009; 1000 Genomes Project 30x 0.00016; 1000 Genomes Project 0.00020; gnomAD exomes 0.00004; gnomAD 0.00005.
gnomAD v4.1: 69 of 1,599,148 alleles (0.0043%); highest among the groups gnomAD compares: Middle Eastern, 0.017%; no homozygotes.

Submission:

CeGaT Center for Human Genetics Tuebingen
Classification: Likely benign. Last evaluated: 2026-05-01. Review status: criteria provided, single submitter. Criteria: CeGaT Center For Human Genetics Tuebingen Variant Classification Criteria Version 2. Collection method: clinical testing. Allele origin: germline. Affected: yes. Observed: 2 variant alleles.
Comment: LAMA5: BP4